The following is an entry in ClinVar:

ClinVar aggregate classification (germline): Uncertain significance (1 of 4 stars; one submission).

Conditions:
Catecholaminergic polymorphic ventricular tachycardia (CVPT). Also called: Catecholamine-induced polymorphic ventricular tachycardia. Identifiers: Orphanet 3286, MedGen C5574922, MONDO:0017990.

Submission:

All of Us Research Program, National Institutes of Health
Classification: Uncertain significance for Catecholaminergic polymorphic ventricular tachycardia. Last evaluated: 2023-08-15. Review status: criteria provided, single submitter. Criteria: ACMG Guidelines, 2015. Collection method: clinical testing. Allele origin: germline. Inheritance: Autosomal dominant inheritance. Observed: 1 variant allele, 1 heterozygote.
Comment: This study involves interpretation of variants in research participants for the purpose of population health screening. Participant phenotype was not available at the time of variant classification. Additional details can be found in publication PMID: 35346344, PMCID: PMC8962531

NM_001035.3(RYR2):c.1721T>G (p.Val574Gly)

Gene: RYR2 (ryanodine receptor 2; plus strand). Cytogenetic location: 1q43.
Variant type: single nucleotide variant.
Coding change: c.1721T>G on transcript NM_001035.3 (MANE Select); coding-DNA position 1721, T replaced by G.
Protein change: p.Val574Gly; replaces valine 574 with glycine.
Molecular consequence: missense variant.
Genome position (GRCh38, 1-based): chr1:237,491,818, T>G. VCF-style: chr1-237491818-T-G. GRCh37 (hg19) VCF-style: chr1-237655118-T-G.
Other names: short protein forms V574G.
Identifiers: ClinVar variation 3072698 (VCV003072698.1), dbSNP rs2529112134, ClinGen allele CA345387841.